The following is an entry in ClinVar:

ClinVar aggregate classification (germline): Uncertain significance. Review status: criteria provided, multiple submitters, no conflicts (2 of 4 stars). 2 submissions from 2 submitters: Uncertain significance (2). Last evaluated 2026-09-04.

Conditions:
Cardiovascular phenotype. Identifiers: MedGen CN230736.
Osteogenesis imperfecta type I (OI1). Also called: Lobstein's Disease; Lobstein disease; OI, TYPE I; OSTEOGENESIS IMPERFECTA TARDA; OSTEOGENESIS IMPERFECTA WITH BLUE SCLERAE; Osteogenesis imperfecta type 1. Identifiers: Orphanet 216796, Orphanet 666, MedGen C0023931, MONDO:0008146, OMIM 166200. Disease mechanism: loss of function.

Allele frequency attached by ClinVar (database versions not stated): gnomAD exomes below 0.00001.

Submissions (2):

Ambry Genetics
Classification: Uncertain significance for Cardiovascular phenotype. Last evaluated: 2026-09-04. Review status: criteria provided, single submitter. Criteria: Ambry Variant Classification Scheme 2023. Collection method: clinical testing. Allele origin: germline.
Comment: The p.P241S variant (also known as c.721C>T), located in coding exon 10 of the COL1A1 gene, results from a C to T substitution at nucleotide position 721. The proline at codon 241 is replaced by serine, an amino acid with similar properties. This amino acid position is conserved. In addition, the in silico prediction for this alteration is inconclusive. Based on the available evidence, the clinical significance of this variant remains unclear.

Labcorp Genetics (formerly Invitae), Labcorp
Classification: Uncertain significance for Osteogenesis imperfecta type I. Last evaluated: 2025-08-14. Review status: criteria provided, single submitter. Criteria: Invitae Variant Classification Sherloc (09022015). Collection method: clinical testing. Allele origin: germline.
Comment: This sequence change replaces proline, which is neutral and non-polar, with serine, which is neutral and polar, at codon 241 of the COL1A1 protein (p.Pro241Ser). This variant is not present in population databases (gnomAD no frequency). This variant has not been reported in the literature in individuals affected with COL1A1-related conditions. ClinVar contains an entry for this variant (Variation ID: 1959738). Invitae Evidence Modeling of protein sequence and biophysical properties (such as structural, functional, and spatial information, amino acid conservation, physicochemical variation, residue mobility, and thermodynamic stability) has been performed for this missense variant. However, the output from this modeling did not meet the statistical confidence thresholds required to predict the impact of this variant on COL1A1 protein function. In summary, the available evidence is currently insufficient to determine the role of this variant in disease. Therefore, it has been classified as a Variant of Uncertain Significance.

NM_000088.4(COL1A1):c.721C>T (p.Pro241Ser)

Genes: COL1A1 (collagen type I alpha 1 chain; minus strand), LOC126862586 (CDK7 strongly-dependent group 2 enhancer GRCh37_chr17:48273702-48274901; plus strand). Cytogenetic location: 17q21.33.
Variant type: single nucleotide variant.
Coding change: c.721C>T on transcript NM_000088.4 (MANE Select); coding-DNA position 721, C replaced by T.
Protein change: p.Pro241Ser; replaces proline 241 with serine.
Molecular consequence: missense variant.
Genome position (GRCh38, 1-based): chr17:50,197,209, G>A on the plus strand (C>T on the coding strand, the complement: COL1A1 is on the minus strand). VCF-style: chr17-50197209-G-A. GRCh37 (hg19) VCF-style: chr17-48274570-G-A.
Other names: short protein forms P241S.
Identifiers: ClinVar variation 1959738 (VCV001959738.6), dbSNP rs2509242113, ClinGen allele CA400224245.